The following is an entry in ClinVar:

ClinVar aggregate classification (germline): Uncertain significance (1 of 4 stars; one submission).

gnomAD v4.1: 12 of 1,614,038 alleles (0.00074%); highest among the groups gnomAD compares: African/African-American, 0.013%; no homozygotes.

Submission:

GeneDx
Classification: Uncertain significance. Last evaluated: 2025-01-03. Review status: criteria provided, single submitter. Criteria: GeneDx Variant Classification Process June 2021. Collection method: clinical testing. Allele origin: germline. Affected: yes.
Comment: Not observed at significant frequency in large population cohorts (gnomAD); In silico analysis supports that this missense variant has a deleterious effect on protein structure/function; Has not been previously published as pathogenic or benign to our knowledge

NM_001127178.3(PIGG):c.2142G>C (p.Arg714Ser)

Gene: PIGG (phosphatidylinositol glycan anchor biosynthesis class G (EMM blood group); plus strand). Cytogenetic location: 4p16.3.
Variant type: single nucleotide variant.
Coding change: c.2142G>C on transcript NM_001127178.3 (MANE Select); coding-DNA position 2142, G replaced by C.
Protein change: p.Arg714Ser; replaces arginine 714 with serine.
Molecular consequence: missense variant. On other transcripts: non-coding transcript variant (10).
Genome position (GRCh38, 1-based): chr4:527,111, G>C. VCF-style: chr4-527111-G-C. GRCh37 (hg19) VCF-style: chr4-520900-G-C.
Other names: c.1875G>C, p.Arg625Ser (NM_001289051.2, NM_001345986.2); c.1743G>C, p.Arg581Ser (NM_001289052.2); c.1851G>C, p.Arg617Ser (NM_001345987.2); c.1113G>C, p.Arg371Ser (NM_001345988.2); c.609G>C, p.Arg203Ser (NM_001345990.2, NM_001345991.2); c.1044G>C, p.Arg348Ser (NM_001345994.2); c.2118G>C, p.Arg706Ser (NM_017733.5); short protein forms R625S, R203S, R581S, R617S, R706S, R348S, R371S, R714S.
Identifiers: ClinVar variation 4055980 (VCV004055980.1).